The following is an entry in ClinVar:

ClinVar aggregate classification (germline): Uncertain significance. Review status: criteria provided, multiple submitters, no conflicts (2 of 4 stars). 4 submissions from 4 submitters: Uncertain significance (3). 1 of the submissions does not count toward it. Last evaluated 2026-03-05.

Conditions:
FGB-related disorder. Also called: FGB-related condition.
Familial dysfibrinogenemia. Also called: Dysfibrinogenemia, congenital. Identifiers: Orphanet 335, Orphanet 98881, MedGen C0272350, MONDO:0014452, OMIM 616004.
Congenital afibrinogenemia. Identifiers: Orphanet 335, Orphanet 98880, MedGen C2584774, MONDO:0008737, OMIM 202400.

Submissions (4):

Women's Health and Genetics/Laboratory Corporation of America, LabCorp
Classification: Uncertain significance. Last evaluated: 2026-03-05. Review status: criteria provided, single submitter. Criteria: LabCorp Variant Classification Summary - May 2015. Collection method: clinical testing. Allele origin: germline.
Comment: Variant summary: FGB c.221G>T (p.Arg74Leu) results in a non-conservative amino acid change in the encoded protein sequence. Algorithms developed to predict the effect of missense changes on protein structure and function are either unavailable or do not agree on the potential impact of this missense change. The variant was absent in 247922 control chromosomes (gnomAD). The available data on variant occurrences in the general population are insufficient to allow any conclusion about variant significance. These report does not provide unequivocal conclusions about association of the variant with Afibrinogenemia, Congenital. To our knowledge, no experimental evidence demonstrating an impact on protein function has been reported. The following publication have been ascertained in the context of this evaluation (PMID: 27812779). ClinVar contains an entry for this variant (Variation ID: 3351774). Based on the evidence outlined above, the variant was classified as uncertain significance.

Labcorp Genetics (formerly Invitae), Labcorp
Classification: Uncertain significance. Last evaluated: 2025-06-22. Review status: criteria provided, single submitter. Criteria: Invitae Variant Classification Sherloc (09022015). Collection method: clinical testing. Allele origin: germline.
Comment: This sequence change replaces arginine, which is basic and polar, with leucine, which is neutral and non-polar, at codon 74 of the FGB protein (p.Arg74Leu). This variant is not present in population databases (gnomAD no frequency). This missense change has been observed in individual(s) with dysfibrinogenaemia (PMID: 27812779). ClinVar contains an entry for this variant (Variation ID: 3351774). Invitae Evidence Modeling of protein sequence and biophysical properties (such as structural, functional, and spatial information, amino acid conservation, physicochemical variation, residue mobility, and thermodynamic stability) indicates that this missense variant is not expected to disrupt FGB protein function with a negative predictive value of 80%. In summary, the available evidence is currently insufficient to determine the role of this variant in disease. Therefore, it has been classified as a Variant of Uncertain Significance.

Fulgent Genetics
Classification: Uncertain significance for Congenital afibrinogenemia; Familial dysfibrinogenemia. Last evaluated: 2024-02-01. Review status: criteria provided, single submitter. Criteria: ACMG Guidelines, 2015. Collection method: clinical testing. Allele origin: germline.

PreventionGenetics, part of Exact Sciences
Classification: Likely pathogenic for FGB-related condition. Last evaluated: 2024-05-23. Review status: no assertion criteria provided. Collection method: clinical testing. Allele origin: germline. Not counted in ClinVar's aggregate classification.
Comment: The FGB c.221G>T variant is predicted to result in the amino acid substitution p.Arg74Leu. This variant has been reported in the heterozygous state in an individual with dysfibrinogenemia (Shlebak et al 2017. PubMed ID: 27812779). Alternate substitutions of this amino acid residue (p.Arg74Gly and p.Arg74Cys) have also been reported in individuals with dysfibrinogenemia (reported as Arg44Gly in Würtinger et al. 2015. PubMed ID: 26540126; reported as Arg44Cys in Koopman et al. 1992. PubMed ID: 1565641). This variant has not been reported in a large population database, indicating this variant is rare. This variant is interpreted as likely pathogenic.

Literature cited by the submitters: PubMed 27812779 (cited by Women's Health and Genetics/Laboratory Corporation of America, LabCorp and Labcorp Genetics (formerly Invitae), Labcorp).

NM_005141.5(FGB):c.221G>T (p.Arg74Leu)

Gene: FGB (fibrinogen beta chain; plus strand). Cytogenetic location: 4q31.3.
Variant type: single nucleotide variant.
Coding change: c.221G>T on transcript NM_005141.5 (MANE Select); coding-DNA position 221, G replaced by T.
Protein change: p.Arg74Leu; replaces arginine 74 with leucine.
Molecular consequence: missense variant. On other transcripts: intron variant (1).
Genome position (GRCh38, 1-based): chr4:154,565,914, G>T. VCF-style: chr4-154565914-G-T. GRCh37 (hg19) VCF-style: chr4-155487066-G-T.
Other names: c.221G>T, p.Arg74Leu (NM_001382759.1, NM_001382760.1, NM_001382761.1 and 4 more transcripts); c.165+56G>T (NM_001184741.1); short protein forms R74L.
Identifiers: ClinVar variation 3351774 (VCV003351774.4).